The following is an entry in ClinVar:

NM_002661.5(PLCG2):c.2301G>A (p.Pro767=)

Gene: PLCG2 (phospholipase C gamma 2; plus strand). Cytogenetic location: 16q23.3.
Variant type: single nucleotide variant.
Coding change: c.2301G>A on transcript NM_002661.5 (MANE Select); coding-DNA position 2301, G replaced by A.
Protein change: p.Pro767=; no amino-acid change (proline 767 retained).
Molecular consequence: synonymous variant.
Genome position (GRCh38, 1-based): chr16:81,921,263, G>A. VCF-style: chr16-81921263-G-A. GRCh37 (hg19) VCF-style: chr16-81954868-G-A.
Other names: c.2301G>A (NM_002661.4).
Identifiers: ClinVar variation 1608404 (VCV001608404.10), dbSNP rs374390386, ClinGen allele CA8194164.

ClinVar aggregate classification (germline): Likely benign. Review status: criteria provided, multiple submitters, no conflicts (2 of 4 stars). 3 submissions from 3 submitters: Likely benign (3). Last evaluated 2025-08-03.

Conditions:
PLCG2-related disorder. Also called: PLCG2-related condition.
Autoinflammation-PLCG2-associated antibody deficiency-immune dysregulation. Also called: Autoinflammation, antibody deficiency, and immune dysregulation syndrome; AUTOINFLAMMATION, ANTIBODY DEFICIENCY, AND IMMUNE DYSREGULATION; Autoinflammation, antibody deficiency, and immune dysregulation, plcg2-associated. Identifiers: Orphanet 324530, MedGen C3553961, MONDO:0013944, OMIM 614878.
Familial cold autoinflammatory syndrome 3 (FCAS3). Also called: ANTIBODY DEFICIENCY AND IMMUNE DYSREGULATION, PLCG2-ASSOCIATED; FAMILIAL ATYPICAL COLD URTICARIA. Identifiers: Orphanet 300359, MedGen C3280914, MONDO:0013766, OMIM 614468.

Allele frequency attached by ClinVar (database versions not stated): gnomAD exomes 0.00001 and 0.00004; TOPMed 0.00002; gnomAD 0.00004; ExAC 0.00007; ESP Exome Variant Server 0.00016.
gnomAD v4.1: 26 of 1,603,734 alleles (0.0016%); highest among the groups gnomAD compares: East Asian, 0.0022%; no homozygotes.

Submissions (3):

Labcorp Genetics (formerly Invitae), Labcorp
Classification: Likely benign for Familial cold autoinflammatory syndrome 3. Last evaluated: 2025-08-03. Review status: criteria provided, single submitter. Criteria: Invitae Variant Classification Sherloc (09022015). Collection method: clinical testing. Allele origin: germline.

PreventionGenetics, part of Exact Sciences
Classification: Likely benign for PLCG2-related condition. Last evaluated: 2024-12-02. Review status: criteria provided, single submitter. Criteria: ACMG Guidelines, 2015. Collection method: clinical testing. Allele origin: germline.
Comment: This variant is classified as likely benign based on ACMG/AMP sequence variant interpretation guidelines (Richards et al. 2015 PMID: 25741868, with internal and published modifications).

Fulgent Genetics
Classification: Likely benign for Familial cold autoinflammatory syndrome 3; Autoinflammation-PLCG2-associated antibody deficiency-immune dysregulation. Last evaluated: 2022-04-07. Review status: criteria provided, single submitter. Criteria: ACMG Guidelines, 2015. Collection method: clinical testing. Allele origin: unknown.